The following is an entry in ClinVar:

ClinVar aggregate classification (germline): Pathogenic (1 of 4 stars; one submission).

Submission:

Labcorp Genetics (formerly Invitae), Labcorp
Classification: Pathogenic. Last evaluated: 2022-12-23. Review status: criteria provided, single submitter. Criteria: Invitae Variant Classification Sherloc (09022015). Collection method: clinical testing. Allele origin: germline.
Comment: For these reasons, this variant has been classified as Pathogenic. Algorithms developed to predict the effect of sequence changes on RNA splicing suggest that this variant may disrupt the consensus splice site. This variant has not been reported in the literature in individuals affected with TSEN54-related conditions. This variant is present in population databases (no rsID available, gnomAD 0.007%). This sequence change creates a premature translational stop signal (p.Ser175Cysfs*6) in the TSEN54 gene. It is expected to result in an absent or disrupted protein product. Loss-of-function variants in TSEN54 are known to be pathogenic (PMID: 18711368, 20952379).

Literature cited by the submitters: PubMed 18711368; PubMed 20952379.

NM_207346.3(TSEN54):c.524_525del (p.Ser175fs)

Gene: TSEN54 (tRNA splicing endonuclease subunit 54; plus strand). Cytogenetic location: 17q25.1.
Variant type: Microsatellite.
Coding change: c.524_525del on transcript NM_207346.3 (MANE Select); coding-DNA positions 524 to 525, 2 bases deleted (CT; older notation c.524_525delCT).
Protein change: p.Ser175fs; shifts the reading frame from serine 175.
Molecular consequence: frameshift variant.
Genome position (GRCh38, 1-based): chr17:75,521,411-75,521,412, CT deleted; deleting any 2 consecutive bases within chr17:75,521,409-75,521,412 gives the same sequence; the c. name uses the placement nearest the transcript's 3' end. VCF-style (leftmost placement, unchanged base first): chr17-75521408-GCT-G. GRCh37 (hg19) VCF-style: chr17-73517489-GCT-G.
Other names: short protein forms S175fs.
Identifiers: ClinVar variation 1069583 (VCV001069583.7), dbSNP rs1379866260, ClinGen allele CA627594317.